The following is an entry in ClinVar:

ClinVar aggregate classification (germline): Likely benign (1 of 4 stars; one submission).

Conditions:
Vitamin K-dependent clotting factors, combined deficiency of, type 1. Also called: FACTORS II, VII, IX, AND X, COMBINED DEFICIENCY OF; FAMILIAL MULTIPLE COAGULATION FACTOR DEFICIENCY III; FMFD III; GLUTAMIC ACID, DEFICIENT GAMMA-CARBOXYLATION OF; MULTIPLE COAGULATION FACTOR DEFICIENCY III; VITAMIN K-DEPENDENT COAGULATION DEFECT. Identifiers: Orphanet 98434, MedGen C1848534, MONDO:0010187, OMIM 277450.

Allele frequency attached by ClinVar (database versions not stated): 1000 Genomes Project 0.00140; 1000 Genomes Project 30x 0.00172; gnomAD 0.00415 and 0.00425; TOPMed 0.00455.

Submission:

Illumina Laboratory Services, Illumina
Classification: Likely benign for Vitamin K-dependent clotting factors, combined deficiency of, type 1. Last evaluated: 2018-01-13. Review status: criteria provided, single submitter. Criteria: ICSL Variant Classification Criteria 13 December 2019. Collection method: clinical testing. Allele origin: germline.
Comment: This variant was observed in the ICSL laboratory as part of a predisposition screen in an ostensibly healthy population. It had not been previously curated by ICSL or reported in the Human Gene Mutation Database (HGMD: prior to June 1st, 2018), and was therefore a candidate for classification through an automated scoring system. Utilizing variant allele frequency, disease prevalence and penetrance estimates, and inheritance mode, an automated score was calculated to assess if this variant is too frequent to cause the disease. Based on the score and internal cut-off values, a variant classified as likely benign is not then subjected to further curation. The score for this variant resulted in a classification of likely benign for this disease.

NM_000821.7(GGCX):c.*962G>C

Gene: GGCX (gamma-glutamyl carboxylase; minus strand). Cytogenetic location: 2p11.2.
Variant type: single nucleotide variant.
Coding change: c.*962G>C on transcript NM_000821.7 (MANE Select); 962 bases downstream of the stop codon, G replaced by C.
Molecular consequence: 3 prime UTR variant.
Genome position (GRCh38, 1-based): chr2:85,548,972, C>G on the plus strand (G>C on the coding strand, the complement: GGCX is on the minus strand). VCF-style: chr2-85548972-C-G. GRCh37 (hg19) VCF-style: chr2-85776095-C-G.
Other names: c.*962G>C (NM_001142269.4).
Identifiers: ClinVar variation 899107 (VCV000899107.4), dbSNP rs78372899, ClinGen allele CA51731424.